The following is an entry in ClinVar:

NM_001349253.2(SCN11A):c.1934A>G (p.Asp645Gly)

Gene: SCN11A (sodium voltage-gated channel alpha subunit 11; minus strand). Cytogenetic location: 3p22.2.
Variant type: single nucleotide variant.
Coding change: c.1934A>G on transcript NM_001349253.2 (MANE Select); coding-DNA position 1934, A replaced by G.
Protein change: p.Asp645Gly; replaces aspartic acid 645 with glycine.
Molecular consequence: missense variant.
Genome position (GRCh38, 1-based): chr3:38,899,982, T>C on the plus strand (A>G on the coding strand, the complement: SCN11A is on the minus strand). VCF-style: chr3-38899982-T-C. GRCh37 (hg19) VCF-style: chr3-38941473-T-C.
Other names: c.1934A>G, p.Asp645Gly (NM_014139.3); short protein forms D645G.
Identifiers: ClinVar variation 658062 (VCV000658062.6), dbSNP rs988402656, ClinGen allele CA72960417.
Genomic context (GRCh38, chr3:38,899,982, plus strand): 5'-CTTCTCTTTTGAAGTACACAGTTCATTACATCTGCAAAACTCAGAAGAGCAACAATGCTG[T>C]CAAAAATGTTCCAGCCTCGGCGAAAGTAGTGGTAGGGATCGAGCGCAATGATTTTTAGGC-3'
Protein context (NP_001336182.1, residues 635-655): HYFRRGWNIF[Asp645Gly]SIVALLSFAD

ClinVar aggregate classification (germline): Uncertain significance. Review status: criteria provided, multiple submitters, no conflicts (2 of 4 stars). 2 submissions from 2 submitters: Uncertain significance (2). Last evaluated 2023-09-26.

Conditions:
Inborn genetic diseases. Identifiers: MedGen C0950123, MeSH D030342.
Hereditary sensory and autonomic neuropathy type 7. Also called: HSAN VII; Neuropathy, hereditary sensory and autonomic, type VII. Identifiers: Orphanet 391397, MedGen C3809882, MONDO:0014244, OMIM 615548.
Familial episodic pain syndrome with predominantly lower limb involvement. Also called: Episodic pain syndrome, familial, 3. Identifiers: Orphanet 391384, Orphanet 391392, MedGen C3809899, MONDO:0014247, OMIM 615552.

Allele frequency attached by ClinVar (database versions not stated): gnomAD 0.00001; gnomAD exomes 0.00001; TOPMed 0.00001.
gnomAD v4.1: 19 of 1,613,950 alleles (0.0012%); highest among the groups gnomAD compares: Non-Finnish European, 0.0016%; no homozygotes.

Submissions (2):

Ambry Genetics
Classification: Uncertain significance for Inborn genetic diseases. Last evaluated: 2023-09-26. Review status: criteria provided, single submitter. Criteria: Ambry Variant Classification Scheme 2023. Collection method: clinical testing. Allele origin: germline.

Labcorp Genetics (formerly Invitae), Labcorp
Classification: Uncertain significance for Familial episodic pain syndrome with predominantly lower limb involvement; Hereditary sensory and autonomic neuropathy type 7. Last evaluated: 2023-09-04. Review status: criteria provided, single submitter. Criteria: Invitae Variant Classification Sherloc (09022015). Collection method: clinical testing. Allele origin: germline.
Comment: In summary, the available evidence is currently insufficient to determine the role of this variant in disease. Therefore, it has been classified as a Variant of Uncertain Significance. Advanced modeling of protein sequence and biophysical properties (such as structural, functional, and spatial information, amino acid conservation, physicochemical variation, residue mobility, and thermodynamic stability) performed at Invitae indicates that this missense variant is expected to disrupt SCN11A protein function. ClinVar contains an entry for this variant (Variation ID: 658062). This variant has not been reported in the literature in individuals affected with SCN11A-related conditions. This variant is present in population databases (no rsID available, gnomAD 0.007%). This sequence change replaces aspartic acid, which is acidic and polar, with glycine, which is neutral and non-polar, at codon 645 of the SCN11A protein (p.Asp645Gly).